The following is an entry in ClinVar:

NC_012920.1(MT-ND3):m.10098G>T

Gene: MT-ND3 (mitochondrially encoded NADH dehydrogenase 3; plus strand).
Variant type: single nucleotide variant.
Genome position: chrM-10098-G-T.
Identifiers: ClinVar variation 693261 (VCV000693261.1), dbSNP rs1569484342, ClinGen allele CA414804265.
Genomic context (GRCh38, chrMT:10,098, plus strand): 5'-GACAACATTCAAAAAAGAGTAATAAACTTCGCCTTAATTTTAATAATCAACACCCTCCTA[G>T]CCTTACTACTAATAATTATTACATTTTGACTACCACAACTCAACGGCTACATAGAAAAAT-3'

ClinVar aggregate classification (germline): Likely benign (1 of 4 stars; one submission).

Conditions:
Leigh syndrome (NULS). Also called: Leigh's necrotizing encephalopathy; Leigh's disease; Leigh Syndrome (mtDNA deletion); Leigh Disease; Subacute necrotizing encephalopathy; Necrotizing encephalopathy infantile subacute of Leigh. Identifiers: Orphanet 506, MedGen C2931891, MONDO:0009723, OMIM 256000.

Submission:

Wong Mito Lab, Molecular and Human Genetics, Baylor College of Medicine
Classification: Likely benign for Leigh syndrome. Last evaluated: 2019-10-17. Review status: criteria provided, single submitter. Criteria: Modified ACMG Guidelines (Unpublished). Collection method: clinical testing. Allele origin: germline.
Comment: The NC_012920.1:m.10098G>T (YP_003024033.1:p.Ala14Ser) variant in MTND3 gene is interpretated to be a Likely Benign variant based on the modified ACMG guidelines (unpublished). This variant meets the following evidence codes: BS4, BP6